The following is an entry in ClinVar:

NM_017763.6(RNF43):c.582+8C>T

Gene: RNF43 (ring finger protein 43; minus strand). Cytogenetic location: 17q22.
Variant type: single nucleotide variant.
Coding change: c.582+8C>T on transcript NM_017763.6 (MANE Select); 8 bases into the intron after coding-DNA position 582, C replaced by T.
Molecular consequence: intron variant.
Genome position (GRCh38, 1-based): chr17:58,363,267, G>A on the plus strand (C>T on the coding strand, the complement: RNF43 is on the minus strand). VCF-style: chr17-58363267-G-A. GRCh37 (hg19) VCF-style: chr17-56440628-G-A.
Other names: c.582+8C>T (NM_001438822.1, NM_001305544.3, NM_001438820.1 and 1 more transcripts); c.201+8C>T (NM_001305545.2, NM_001437987.1).
Identifiers: ClinVar variation 4875680 (VCV004875680.1).

ClinVar aggregate classification (germline): Likely benign (1 of 4 stars; one submission).

Conditions:
Sessile serrated polyposis cancer syndrome (SSPCS). Identifiers: Orphanet 157798, MedGen C4310714, MONDO:0014919, OMIM 617108.

Submission:

Myriad Genetics, Inc.
Classification: Likely benign for Sessile serrated polyposis cancer syndrome. Last evaluated: 2026-06-26. Review status: criteria provided, single submitter. Criteria: Myriad Autosomal Dominant, Autosomal Recessive and X-Linked Classification Criteria (2023). Collection method: clinical testing. Allele origin: unknown.
Comment: This variant is considered likely benign. This variant is intronic and is not expected to impact mRNA splicing.